The following is an entry in ClinVar:

NM_000257.4(MYH7):c.1046T>C (p.Met349Thr)

Gene: MYH7 (myosin heavy chain 7; minus strand). Cytogenetic location: 14q11.2.
Variant type: single nucleotide variant.
Coding change: c.1046T>C on transcript NM_000257.4 (MANE Select); coding-DNA position 1046, T replaced by C.
Protein change: p.Met349Thr; replaces methionine 349 with threonine.
Molecular consequence: missense variant.
Genome position (GRCh38, 1-based): chr14:23,429,867, A>G on the plus strand (T>C on the coding strand, the complement: MYH7 is on the minus strand). VCF-style: chr14-23429867-A-G. GRCh37 (hg19) VCF-style: chr14-23899076-A-G.
Other names: p.M349T:ATG>ACG; NM_000257.4(MYH7):c.1046T>C; c.1046T>C, p.Met349Thr (LRG_384t1); short protein forms M349T.
Identifiers: ClinVar variation 14094 (VCV000014094.25), dbSNP rs121913640, ClinGen allele CA010092.
Genomic context (GRCh38, chr14:23,429,867, plus strand): 5'-CGCTGCTTCAGCTTGAACTTCATGTTTCCAAAGTGCATGATGGCGCCTGTCAGCTTATAC[A>G]TGGAGTTTTTCTCCTCTGAAGTGAAGCCCAGCACATCAAAAGCGTTCTGTAGGGAGGCCC-3'
Protein context (NP_000248.2, residues 339-359): LGFTSEEKNS[Met349Thr]YKLTGAIMHF

ClinVar aggregate classification (germline): Uncertain significance. Review status: reviewed by expert panel (3 of 4 stars). 10 submissions from 10 submitters: Uncertain significance (1). 9 of the submissions do not count toward it. Last evaluated 2021-06-16.

Conditions:
MYH7-related disorder. Also called: MYH7-related disorders; MYH7-related condition; MYH7-related disease.
MYH7-related skeletal myopathy. Also called: Laing early-onset distal myopathy; Myopathy, distal, 1; MYOPATHY, DISTAL, EARLY-ONSET, AUTOSOMAL DOMINANT; MYOPATHY, LATE DISTAL HEREDITARY; Laing distal myopathy. Identifiers: Orphanet 59135, MedGen C4552004, MONDO:0008050, OMIM 160500.
Congenital myopathy with fiber type disproportion. Also called: Congenital fiber-type disproportion; Congenital fiber-type disproportion myopathy. Identifiers: Orphanet 2020, MedGen C0546264, MONDO:0009711. Inheritance: all.
Myopathy, myosin storage, autosomal recessive (CMYO7B). Also called: CONGENITAL MYOPATHY 7B, MYOSIN STORAGE, AUTOSOMAL RECESSIVE. Identifiers: Orphanet 636970, MedGen C1850709, MONDO:0009708, OMIM 255160.
Myosin storage myopathy (CMYO7A). Also called: MYOPATHY WITH LYSIS OF TYPE I MYOFIBRILS; Congenital myopathy 7A, myosin storage, autosomal dominant; MYH7-related late-onset scapuloperoneal muscular dystrophy; Scapuloperoneal myopathy, MYH7-related; MYOPATHY, HYALINE BODY, AUTOSOMAL DOMINANT; SCAPULOPERONEAL MUSCULAR DYSTROPHY. Identifiers: Orphanet 437572, Orphanet 636965, MedGen C1842160, MONDO:0008409, OMIM 608358.
Hypertrophic cardiomyopathy 1 (CMH1). Also called: MYH7-Related Familial Hypertrophic Cardiomyopathy; Familial hypertrophic cardiomyopathy 1. Identifiers: MedGen C3495498, MONDO:0008647, OMIM 192600.
Dilated cardiomyopathy 1S (CMD1S). Identifiers: Orphanet 154, Orphanet 54260, MedGen C1834481, MONDO:0013262, OMIM 613426.
Cardiovascular phenotype. Identifiers: MedGen CN230736.
Cardiomyopathy (CMYO). Also called: Cardiomyopathies. Identifiers: Orphanet 167848, MedGen C0878544, MONDO:0004994, HP:0001638. Inheritance: Various modes of inheritance.
Hypertrophic cardiomyopathy. Also called: HYPERTROPHIC MYOCARDIOPATHY. Identifiers: Orphanet 217569, MedGen C0007194, MeSH D002312, MONDO:0005045, HP:0001639.

Allele frequency attached by ClinVar (database versions not stated): gnomAD exomes below 0.00001; TOPMed 0.00001; gnomAD 0.00002.
gnomAD v4.1: 10 of 1,613,914 alleles (0.00062%); highest among the groups gnomAD compares: African/African-American, 0.0027%; no homozygotes.

Submissions 1 to 4 of 10:

ClinGen Cardiomyopathy Variant Curation Expert Panel
Classification: Uncertain significance for Hypertrophic cardiomyopathy. Last evaluated: 2021-06-16. Review status: reviewed by expert panel. Criteria: ClinGen CMP ACMG Specifications v1. Collection method: curation. Allele origin: germline.
Comment: The c.1046T>C (p.Met349Thr) variant in MYH7 has been reported in at least 6 individuals with HCM (PS4_Supporting; Jeschke 1998 PMID:9544842; GeneDx: pers comm., Ambry: pers comm, Invitae: pers comm), 1 of whom also had additional variants in other HCM-associated genes (Ambry pers comm;). This variant has also been reported in 1 individual with unspecified heart disease, 1 with LVH, and 1 with arrhythmia, and 1 with LVNC with atrial and ventricular septal defect (Ambry pers comm.; GeneDX pers comm.; Invitae pers comm.; OMGL pers comm.). This variant has also been identified in 0.007% (1/15378) of European chromosomes, in gnomAD (v2.1.1). This represents only a fraction of the total European chromosomes, suggesting low coverage at this locus. Therefore, data from large population studies are insufficient to assess the frequency of this variant and apply PM2. Additionally, since the MYH7 specifications state that PS4 is only applicable if the variant is absent or rare in large population studies, the PS4 criterion was not applied (Kelly 2018 PMID:29300372). This variant lies in the head region of the protein (aa 181-937) and missense variants in this region are statistically more likely to be disease-associated (PM1; Walsh 2017 PMID:27532257). Computational prediction tools and conservation analysis do not provide strong support for or against an impact to the protein. In summary, this variant is classified as uncertain significance for hypertrophic cardiomyopathy in an autosomal dominant manner. MYH7-specific ACMG/AMP criteria applied (Kelly 2018 PMID:29300372): PM1.

PreventionGenetics, part of Exact Sciences
Classification: Uncertain significance for MYH7-related condition. Last evaluated: 2026-03-13. Review status: criteria provided, single submitter. Criteria: ACMG Guidelines, 2015. Collection method: clinical testing. Allele origin: germline. Not counted in ClinVar's aggregate classification.
Comment: The MYH7 c.1046T>C variant is predicted to result in the amino acid substitution p.Met349Thr. This variant has been reported as a maternally inherited heterozygous variant in a patient with severe, childhood-onset hypertrophic cardiomyopathy who was also heterozygous for a well-established pathogenic MYH7 variant (p.Arg719Trp; Variation ID: 14104) that arose de novo on the paternal allele (Jeschke et al. 1998. PubMed ID: 9544842). Of note, five family members (same study) were found to be heterozygous for p.Met349Thr only, and all were unaffected, suggesting that the de novo p.Arg719Trp variant serves as the primary genetic driver of the proband's severe HCM phenotype. The p.Met349Thr variant was also detected in two individuals from a large HCM cohort without detailed clinical information (Table S1, Bos et al. 2014. PubMed ID: 24793961). This variant is reported in 0.0065% of alleles in individuals of European (non-Finnish) descent in gnomAD and has been classified as a variant of uncertain significance by the ClinGen Cardiomyopathy Variant Curation Expert Panel (Variation ID: 14094). At this time, the clinical significance of this variant is uncertain due to the absence of conclusive functional and genetic evidence.

Labcorp Genetics (formerly Invitae), Labcorp
Classification: Uncertain significance for Hypertrophic cardiomyopathy. Last evaluated: 2025-11-21. Review status: criteria provided, single submitter. Criteria: Invitae Variant Classification Sherloc (09022015). Collection method: clinical testing. Allele origin: germline. Not counted in ClinVar's aggregate classification.
Comment: This sequence change replaces methionine, which is neutral and non-polar, with threonine, which is neutral and polar, at codon 349 of the MYH7 protein (p.Met349Thr). This variant is present in population databases (rs121913640, gnomAD 0.007%). This missense change has been observed in individual(s) with hypertrophic cardiomyopathy (HCM) and an early onset form of HCM (PMID: 9544842, 18761664, 24793961, 32894683). ClinVar contains an entry for this variant (Variation ID: 14094). Invitae Evidence Modeling of protein sequence and biophysical properties (such as structural, functional, and spatial information, amino acid conservation, physicochemical variation, residue mobility, and thermodynamic stability) has been performed for this missense variant. However, the output from this modeling did not meet the statistical confidence thresholds required to predict the impact of this variant on MYH7 protein function. This variant is found within a region of MYH7 between codons 181 and 937 that contains the majority of the myosin head domain. Missense variants in this region have been shown to be significantly overrepresented in individuals with hypertrophic cardiomyopathy (PMID: 27532257). In summary, the available evidence is currently insufficient to determine the role of this variant in disease. Therefore, it has been classified as a Variant of Uncertain Significance.

Molecular Genetics Laboratory, Motol Hospital
Classification: Likely pathogenic for Hypertrophic cardiomyopathy 1. Last evaluated: 2025-01-08. Review status: criteria provided, single submitter. Criteria: ACMG Guidelines, 2015. Collection method: clinical testing. Allele origin: germline. Affected: yes. Observed: 1 variant allele. Not counted in ClinVar's aggregate classification.
Comment: For KCNH2-related disorder appeared in affected cases while extremely rare in population (PM2 met), and the prevalence of the variant in affected individuals is significantly increased compared to the prevalence in controls (PS4), missense variant located in a mutational hotspot (PM1), rare variant not present in gnomAD population (v4.1.0) (PM2), in silico prediction tools support the deleterious effect of this missense variant on the protein (PP3), reputable source reports this variant as pathogenic without laboratory evidence (PP5); ACMG PS4, PM1, PM2, PP3, PP5